The following is an entry in ClinVar:

NM_001267550.2(TTN):c.1232C>G (p.Thr411Ser)

Gene: TTN (titin; minus strand). Cytogenetic location: 2q31.2.
Variant type: single nucleotide variant.
Coding change: c.1232C>G on transcript NM_001267550.2 (MANE Select); coding-DNA position 1232, C replaced by G.
Protein change: p.Thr411Ser; replaces threonine 411 with serine.
Molecular consequence: missense variant.
Genome position (GRCh38, 1-based): chr2:178,794,935, G>C on the plus strand (C>G on the coding strand, the complement: TTN is on the minus strand). VCF-style: chr2-178794935-G-C. GRCh37 (hg19) VCF-style: chr2-179659662-G-C.
Other names: c.1232C>G, p.Thr411Ser (NM_001256850.1, NM_003319.4, NM_133378.4 and 3 more transcripts); short protein forms T411S.
Identifiers: ClinVar variation 281588 (VCV000281588.11), dbSNP rs886042193, ClinGen allele CA10603919.

ClinVar aggregate classification (germline): Uncertain significance. Review status: criteria provided, multiple submitters, no conflicts (2 of 4 stars). 4 submissions from 4 submitters: Uncertain significance (4). Last evaluated 2025-09-11.

Conditions:
Cardiovascular phenotype. Identifiers: MedGen CN230736.
TTN-related disorder. Also called: TTN-related condition; TTN-related disease; TTN-related disorders.

Allele frequency attached by ClinVar (database versions not stated): gnomAD exomes below 0.00001; gnomAD 0.00003; TOPMed 0.00003.
gnomAD v4.1: 9 of 1,602,276 alleles (0.00056%); highest among the groups gnomAD compares: Non-Finnish European, 0.00076%; no homozygotes.

Submissions (4):

PreventionGenetics, part of Exact Sciences
Classification: Uncertain significance for TTN-related condition. Last evaluated: 2025-09-11. Review status: criteria provided, single submitter. Criteria: ACMG Guidelines, 2015. Collection method: clinical testing. Allele origin: germline.
Comment: The TTN c.1232C>G variant is predicted to result in the amino acid substitution p.Thr411Ser. To our knowledge, this variant has not been reported in the literature or in a large population database (gnomAD), indicating this variant is rare. At this time, the clinical significance of this variant is uncertain due to the absence of conclusive functional and genetic evidence.

Revvity Omics, Revvity
Classification: Uncertain significance. Last evaluated: 2022-06-18. Review status: criteria provided, single submitter. Criteria: ACMG Guidelines, 2015. Collection method: clinical testing. Allele origin: germline.

Ambry Genetics
Classification: Uncertain significance for Cardiovascular phenotype. Last evaluated: 2019-06-19. Review status: criteria provided, single submitter. Criteria: Ambry Variant Classification Scheme 2023. Collection method: clinical testing. Allele origin: germline.
Comment: The p.T411S variant (also known as c.1232C>G), located in coding exon 6 of the TTN gene, results from a C to G substitution at nucleotide position 1232. The threonine at codon 411 is replaced by serine, an amino acid with similar properties. This amino acid position is not well conserved in available vertebrate species. In addition, this alteration is predicted to be tolerated by in silico analysis. Since supporting evidence is limited at this time, the clinical significance of this alteration remains unclear.

Eurofins Ntd Llc (ga)
Classification: Uncertain significance. Last evaluated: 2015-07-24. Review status: criteria provided, single submitter. Criteria: EGL Classification Definitions 2015. Collection method: clinical testing. Allele origin: germline. Observed: 2 variant alleles, 2 heterozygotes.